The following is an entry in ClinVar:

ClinVar aggregate classification (germline): Pathogenic (1 of 4 stars; one submission).

Conditions:
Exostoses, multiple, type 2 (EXT2). Also called: Hereditary Multiple Osteochondromatosis, Type II; EXOSTOSES, MULTIPLE, TYPE II. Identifiers: Orphanet 321, MedGen C1851413, MONDO:0007586, OMIM 133701.

Submission:

Labcorp Genetics (formerly Invitae), Labcorp
Classification: Pathogenic for Exostoses, multiple, type 2. Last evaluated: 2021-10-14. Review status: criteria provided, single submitter. Criteria: Invitae Variant Classification Sherloc (09022015). Collection method: clinical testing. Allele origin: germline.
Comment: For these reasons, this variant has been classified as Pathogenic. This variant has not been reported in the literature in individuals affected with EXT2-related conditions. This variant is not present in population databases (ExAC no frequency). This sequence change creates a premature translational stop signal (p.Leu236Valfs*3) in the EXT2 gene. It is expected to result in an absent or disrupted protein product. Loss-of-function variants in EXT2 are known to be pathogenic (PMID: 10679937, 19810120).

Literature cited by the submitters: PubMed 10679937; PubMed 19810120.

NM_207122.2(EXT2):c.705_706del (p.Leu236fs)

Gene: EXT2 (exostosin glycosyltransferase 2; plus strand). Cytogenetic location: 11p11.2.
Variant type: Deletion.
Coding change: c.705_706del on transcript NM_207122.2 (MANE Select); coding-DNA positions 705 to 706, 2 bases deleted (AC; older notation c.705_706delAC).
Protein change: p.Leu236fs; shifts the reading frame from leucine 236.
Molecular consequence: frameshift variant.
Genome position (GRCh38, 1-based): chr11:44,114,263-44,114,264, AC deleted; deleting any 2 consecutive bases within chr11:44,114,262-44,114,264 gives the same sequence; the c. name uses the placement nearest the transcript's 3' end. VCF-style (leftmost placement, unchanged base first): chr11-44114261-CCA-C. GRCh37 (hg19) VCF-style: chr11-44135811-CCA-C.
Other names: c.804_805del, p.Leu269fs (NM_000401.3); c.705_706del, p.Leu236fs (NM_001178083.3, NM_001389628.1, NM_001389630.1); short protein forms L269fs, L236fs.
Identifiers: ClinVar variation 1407563 (VCV001407563.6), dbSNP rs2134985142, ClinGen allele CA2573146313.